The following is an entry in ClinVar:

NM_001845.6(COL4A1):c.2051T>A (p.Val684Glu)

Gene: COL4A1 (collagen type IV alpha 1 chain; minus strand). Cytogenetic location: 13q34.
Variant type: single nucleotide variant.
Coding change: c.2051T>A on transcript NM_001845.6 (MANE Select); coding-DNA position 2051, T replaced by A.
Protein change: p.Val684Glu; replaces valine 684 with glutamic acid.
Molecular consequence: missense variant.
Genome position (GRCh38, 1-based): chr13:110,183,037, A>T on the plus strand (T>A on the coding strand, the complement: COL4A1 is on the minus strand). VCF-style: chr13-110183037-A-T. GRCh37 (hg19) VCF-style: chr13-110835384-A-T.
Other names: short protein forms V684E.
Identifiers: ClinVar variation 3669228 (VCV003669228.2).

ClinVar aggregate classification (germline): Uncertain significance (1 of 4 stars; one submission).

Submission:

Labcorp Genetics (formerly Invitae), Labcorp
Classification: Uncertain significance. Last evaluated: 2024-11-30. Review status: criteria provided, single submitter. Criteria: Invitae Variant Classification Sherloc (09022015). Collection method: clinical testing. Allele origin: germline.
Comment: This sequence change replaces valine, which is neutral and non-polar, with glutamic acid, which is acidic and polar, at codon 684 of the COL4A1 protein (p.Val684Glu). This variant is not present in population databases (gnomAD no frequency). This variant has not been reported in the literature in individuals affected with COL4A1-related conditions. Invitae Evidence Modeling of protein sequence and biophysical properties (such as structural, functional, and spatial information, amino acid conservation, physicochemical variation, residue mobility, and thermodynamic stability) indicates that this missense variant is not expected to disrupt COL4A1 protein function with a negative predictive value of 95%. In summary, the available evidence is currently insufficient to determine the role of this variant in disease. Therefore, it has been classified as a Variant of Uncertain Significance.